The following is an entry in ClinVar:

ClinVar aggregate classification (germline): Uncertain significance (0 of 4 stars; one submission).

Conditions:
AMER1-related disorder. Also called: AMER1-related condition.

Submission:

PreventionGenetics, part of Exact Sciences
Classification: Uncertain significance for AMER1-related condition. Last evaluated: 2024-07-22. Review status: no assertion criteria provided. Collection method: clinical testing. Allele origin: germline.
Comment: The AMER1 c.383C>A variant is predicted to result in the amino acid substitution p.Pro128His. To our knowledge, this variant has not been reported in the literature or in a large population database, indicating this variant is rare. At this time, the clinical significance of this variant is uncertain due to the absence of conclusive functional and genetic evidence.

NM_152424.4(AMER1):c.383C>A (p.Pro128His)

Gene: AMER1 (APC membrane recruitment protein 1; minus strand). Cytogenetic location: Xq11.2.
Variant type: single nucleotide variant.
Coding change: c.383C>A on transcript NM_152424.4 (MANE Select); coding-DNA position 383, C replaced by A.
Protein change: p.Pro128His; replaces proline 128 with histidine.
Molecular consequence: missense variant.
Genome position (GRCh38, 1-based): chrX:64,192,904, G>T on the plus strand (C>A on the coding strand, the complement: AMER1 is on the minus strand). VCF-style: chrX-64192904-G-T. GRCh37 (hg19) VCF-style: chrX-63412784-G-T.
Other names: short protein forms P128H.
Identifiers: ClinVar variation 3347397 (VCV003347397.1).